The following is an entry in ClinVar:

NM_001458.5(FLNC):c.4A>G (p.Met2Val)

Gene: FLNC (filamin C; plus strand). Cytogenetic location: 7q32.1.
Variant type: single nucleotide variant.
Coding change: c.4A>G on transcript NM_001458.5 (MANE Select); coding-DNA position 4, A replaced by G.
Protein change: p.Met2Val; replaces methionine 2 with valine.
Molecular consequence: missense variant.
Genome position (GRCh38, 1-based): chr7:128,830,641, A>G. VCF-style: chr7-128830641-A-G. GRCh37 (hg19) VCF-style: chr7-128470695-A-G.
Other names: c.4A>G, p.Met2Val (NM_001127487.2); short protein forms M2V.
Identifiers: ClinVar variation 2121305 (VCV002121305.4), dbSNP rs2536604654, ClinGen allele CA369215332.
Genomic context (GRCh38, chr7:128,830,641, plus strand): 5'-CCCCCGATAGCCCAAACCGCGGCCCTAGCCCCGGCCGCACCCCCAGCCCGCGCCAGCATG[A>G]TGAACAACAGCGGCTACTCAGACGCCGGCCTCGGCCTGGGCGATGAGACAGACGAGATGC-3'
Protein context (NP_001449.3, residues 1-12): M[Met2Val]NNSGYSDAGL

ClinVar aggregate classification (germline): Uncertain significance (1 of 4 stars; one submission).

Conditions:
Myofibrillar myopathy 5. Also called: Filaminopathy (type); FILAMINOPATHY, AUTOSOMAL DOMINANT. Identifiers: Orphanet 171445, MedGen C1836050, MONDO:0012289, OMIM 609524.
Distal myopathy with posterior leg and anterior hand involvement. Also called: WILLIAMS DISTAL MYOPATHY. Identifiers: Orphanet 63273, MedGen C3279722, MONDO:0013550, OMIM 614065.
Hypertrophic cardiomyopathy 26. Also called: Cardiomyopathy, familial hypertrophic, 26. Identifiers: Orphanet 75249, MedGen C4310749, MONDO:0014883, OMIM 617047.

Submission:

Labcorp Genetics (formerly Invitae), Labcorp
Classification: Uncertain significance for Distal myopathy with posterior leg and anterior hand involvement; Myofibrillar myopathy 5; Hypertrophic cardiomyopathy 26. Last evaluated: 2022-04-04. Review status: criteria provided, single submitter. Criteria: Invitae Variant Classification Sherloc (09022015). Collection method: clinical testing. Allele origin: germline.
Comment: This variant has not been reported in the literature in individuals affected with FLNC-related conditions. Algorithms developed to predict the effect of missense changes on protein structure and function (SIFT, PolyPhen-2, Align-GVGD) all suggest that this variant is likely to be tolerated. In summary, the available evidence is currently insufficient to determine the role of this variant in disease. Therefore, it has been classified as a Variant of Uncertain Significance. This variant is not present in population databases (gnomAD no frequency). This sequence change replaces methionine, which is neutral and non-polar, with valine, which is neutral and non-polar, at codon 2 of the FLNC protein (p.Met2Val).